The following is an entry in ClinVar:

NM_022132.5(MCCC2):c.1565C>T (p.Ser522Phe)

Gene: MCCC2 (methylcrotonyl-CoA carboxylase subunit 2; plus strand). Cytogenetic location: 5q13.2.
Variant type: single nucleotide variant.
Coding change: c.1565C>T on transcript NM_022132.5 (MANE Select); coding-DNA position 1565, C replaced by T.
Protein change: p.Ser522Phe; replaces serine 522 with phenylalanine.
Molecular consequence: missense variant.
Genome position (GRCh38, 1-based): chr5:71,652,745, C>T. VCF-style: chr5-71652745-C-T. GRCh37 (hg19) VCF-style: chr5-70948572-C-T.
Other names: c.1451C>T, p.Ser484Phe (NM_001363147.1); short protein forms S522F, S484F.
Identifiers: ClinVar variation 847647 (VCV000847647.9), dbSNP rs1747472048, ClinGen allele CA360001943.

ClinVar aggregate classification (germline): Uncertain significance (1 of 4 stars; one submission).

Conditions:
3-methylcrotonyl-CoA carboxylase 2 deficiency. Also called: METHYLCROTONYLGLYCINURIA, TYPE II; 3 alpha methylcrotonyl-CoA carboxylase 2 deficiency; 3 alpha methylcrotonylglycinuria 2; MCC 2 deficiency; Methylcrotonylglycinuria type 2. Identifiers: Orphanet 6, MedGen C1859499, MONDO:0008862, OMIM 210210.

Submission:

Labcorp Genetics (formerly Invitae), Labcorp
Classification: Uncertain significance for 3-methylcrotonyl-CoA carboxylase 2 deficiency. Last evaluated: 2019-11-26. Review status: criteria provided, single submitter. Criteria: Invitae Variant Classification Sherloc (09022015). Collection method: clinical testing. Allele origin: germline.
Comment: Algorithms developed to predict the effect of missense changes on protein structure and function are either unavailable or do not agree on the potential impact of this missense change (SIFT: "Deleterious"; PolyPhen-2: "Probably Damaging"; Align-GVGD: "Class C15"). This variant has not been reported in the literature in individuals with MCCC2-related conditions. This variant is not present in population databases (ExAC no frequency). This sequence change replaces serine with phenylalanine at codon 522 of the MCCC2 protein (p.Ser522Phe). The serine residue is highly conserved and there is a large physicochemical difference between serine and phenylalanine. In summary, the available evidence is currently insufficient to determine the role of this variant in disease. Therefore, it has been classified as a Variant of Uncertain Significance.